The following is an entry in ClinVar:

NM_001048174.2(MUTYH):c.1547T>A (p.Leu516His)

Gene: MUTYH (mutY DNA glycosylase; minus strand). Cytogenetic location: 1p34.1.
Variant type: single nucleotide variant.
Coding change: c.1547T>A on transcript NM_001048174.2 (MANE Select); coding-DNA position 1547, T replaced by A.
Protein change: p.Leu516His; replaces leucine 516 with histidine.
Molecular consequence: missense variant. On other transcripts: non-coding transcript variant (7).
Genome position (GRCh38, 1-based): chr1:45,329,325, A>T on the plus strand (T>A on the coding strand, the complement: MUTYH is on the minus strand). VCF-style: chr1-45329325-A-T. GRCh37 (hg19) VCF-style: chr1-45794997-A-T.
Other names: c.1547T>A, p.Leu516His (NM_001048171.2, NM_001048173.2, NM_001293195.2 and 6 more transcripts); c.1550T>A, p.Leu517His (NM_001048172.2, NM_001407071.1, NM_001407078.1 and 1 more transcripts); c.1631T>A, p.Leu544His (NM_001128425.2); c.1592T>A, p.Leu531His (NM_001293190.2); c.1580T>A, p.Leu527His (NM_001293191.2, NM_001407069.1, NM_001407077.1); c.1271T>A, p.Leu424His (NM_001293192.2, NM_001293196.2, NM_001407091.1); c.1202T>A, p.Leu401His (NM_001350650.2, NM_001350651.2, NM_001407082.1); c.1463T>A, p.Leu488His (NM_001407075.1); and 5 more; short protein forms L401H, L424H, L523H, L527H, L531H, L544H, L488H, L530H.
Identifiers: ClinVar variation 4113469 (VCV004113469.1).

ClinVar aggregate classification (germline): Uncertain significance (1 of 4 stars; one submission).

Conditions:
Hereditary cancer-predisposing syndrome. Also called: Hereditary neoplastic syndrome; Neoplastic Syndromes, Hereditary; Tumor predisposition; Hereditary Cancer Syndrome. Identifiers: Orphanet 140162, MedGen C0027672, MeSH D009386, MONDO:0015356.

Submission:

Ambry Genetics
Classification: Uncertain significance for Hereditary cancer-predisposing syndrome. Last evaluated: 2025-08-27. Review status: criteria provided, single submitter. Criteria: Ambry Variant Classification Scheme 2023. Collection method: clinical testing. Allele origin: germline.
Comment: The p.L544H variant (also known as c.1631T>A), located in coding exon 16 of the MUTYH gene, results from a T to A substitution at nucleotide position 1631. The leucine at codon 544 is replaced by histidine, an amino acid with similar properties. This amino acid position is conserved. In addition, this alteration is predicted to be tolerated by in silico analysis. Based on the available evidence, the clinical significance of this variant remains unclear.